The following is an entry in ClinVar:

ClinVar aggregate classification (germline): Likely pathogenic (1 of 4 stars; one submission).

Submission:

GeneDx
Classification: Likely pathogenic. Last evaluated: 2025-03-26. Review status: criteria provided, single submitter. Criteria: GeneDx Variant Classification Process June 2021. Collection method: clinical testing. Allele origin: germline.
Comment: Published functional studies suggest a damaging effect on protein function (PMID: 40100287); Not observed at significant frequency in large population cohorts (gnomAD); In silico analysis supports that this missense variant has a deleterious effect on protein structure/function; This variant is associated with the following publications: (PMID: 40100287)

NM_002739.5(PRKCG):c.154T>C (p.Cys52Arg)

Gene: PRKCG (protein kinase C gamma; plus strand). Cytogenetic location: 19q13.42.
Variant type: single nucleotide variant.
Coding change: c.154T>C on transcript NM_002739.5 (MANE Select); coding-DNA position 154, T replaced by C.
Protein change: p.Cys52Arg; replaces cysteine 52 with arginine.
Molecular consequence: missense variant.
Genome position (GRCh38, 1-based): chr19:53,882,648, T>C. VCF-style: chr19-53882648-T-C. GRCh37 (hg19) VCF-style: chr19-54385902-T-C.
Other names: c.154T>C, p.Cys52Arg (NM_001316329.2); short protein forms C52R.
Identifiers: ClinVar variation 1712657 (VCV001712657.3), dbSNP rs797045900, ClinGen allele CA407412236.